The following is an entry in ClinVar:

NM_033026.6(PCLO):c.14191T>C (p.Phe4731Leu)

Gene: PCLO (piccolo presynaptic cytomatrix protein; minus strand). Cytogenetic location: 7q21.11.
Variant type: single nucleotide variant.
Coding change: c.14191T>C on transcript NM_033026.6 (MANE Select); coding-DNA position 14191, T replaced by C.
Protein change: p.Phe4731Leu; replaces phenylalanine 4731 with leucine.
Molecular consequence: missense variant.
Genome position (GRCh38, 1-based): chr7:82,838,249, A>G on the plus strand (T>C on the coding strand, the complement: PCLO is on the minus strand). VCF-style: chr7-82838249-A-G. GRCh37 (hg19) VCF-style: chr7-82467565-A-G.
Other names: c.14191T>C, p.Phe4731Leu (NM_014510.3); short protein forms F4731L.
Identifiers: ClinVar variation 5007231 (VCV005007231.2).

ClinVar aggregate classification (germline): Uncertain significance (1 of 4 stars; one submission).

Conditions:
Pontocerebellar hypoplasia type 3 (PCH3). Also called: PCH WITH OPTIC ATROPHY; CEREBELLAR ATROPHY WITH PROGRESSIVE MICROCEPHALY. Identifiers: Orphanet 97249, MedGen C1842687, MONDO:0011948, OMIM 608027.

gnomAD v4.1: 26 of 1,600,020 alleles (0.0016%); highest among the groups gnomAD compares: East Asian, 0.054%; no homozygotes.

Submission:

Juno Genomics, Hangzhou Juno Genomics, Inc
Classification: Uncertain significance for Pontocerebellar hypoplasia type 3. Review status: criteria provided, single submitter. Criteria: ACMG Guidelines, 2015. Collection method: clinical testing. Allele origin: germline.
Comment: Absent from controls (or at extremely low frequency if recessive) in Genome Aggregation Database.;Multiple lines of computational evidence support a deleterious effect on the gene or gene product.